The following is an entry in ClinVar:

NM_004789.4(LHX2):c.673_694del (p.Pro225fs)

Gene: LHX2 (LIM homeobox 2; plus strand). Cytogenetic location: 9q33.3.
Variant type: Deletion.
Coding change: c.673_694del on transcript NM_004789.4 (MANE Select); coding-DNA positions 673 to 694, 22 bases deleted (CCGAGGAAACGTAAGAGCCCGG).
Protein change: p.Pro225fs; shifts the reading frame from proline 225.
Molecular consequence: frameshift variant.
Genome position (GRCh38, 1-based): chr9:124,015,471-124,015,492, CCGAGGAAACGTAAGAGCCCGG deleted; deleting any 22 consecutive bases within chr9:124,015,468-124,015,492 gives the same sequence; the c. name uses the placement nearest the transcript's 3' end. VCF-style (leftmost placement, unchanged base first): chr9-124015467-GCGGCCGAGGAAACGTAAGAGCC-G. GRCh37 (hg19) VCF-style: chr9-126777746-GCGGCCGAGGAAACGTAAGAGCC-G.
Other names: short protein forms P225fs.
Identifiers: ClinVar variation 3781039 (VCV003781039.1).

ClinVar aggregate classification (germline): Pathogenic (1 of 4 stars; one submission).

Submission:

GeneDx
Classification: Pathogenic. Last evaluated: 2024-10-16. Review status: criteria provided, single submitter. Criteria: GeneDx Variant Classification Process June 2021. Collection method: clinical testing. Allele origin: germline. Affected: yes.
Comment: Frameshift variant predicted to result in protein truncation or nonsense mediated decay in a gene for which loss of function is a known mechanism of disease; Not observed at significant frequency in large population cohorts (gnomAD); Has not been previously published as pathogenic or benign to our knowledge